The following is an entry in ClinVar:

NM_001042492.3(NF1):c.742A>G (p.Lys248Glu)

Gene: NF1 (neurofibromin 1; plus strand). Cytogenetic location: 17q11.2.
Variant type: single nucleotide variant.
Coding change: c.742A>G on transcript NM_001042492.3 (MANE Select); coding-DNA position 742, A replaced by G.
Protein change: p.Lys248Glu; replaces lysine 248 with glutamic acid.
Molecular consequence: missense variant.
Genome position (GRCh38, 1-based): chr17:31,182,519, A>G. VCF-style: chr17-31182519-A-G. GRCh37 (hg19) VCF-style: chr17-29509537-A-G.
Other names: c.742A>G, p.Lys248Glu (NM_000267.4, NM_001128147.3); short protein forms K248E.
Identifiers: ClinVar variation 229886 (VCV000229886.3), dbSNP rs876658252, ClinGen allele CA10580201.

ClinVar aggregate classification (germline): Uncertain significance (1 of 4 stars; one submission).

Conditions:
Hereditary cancer-predisposing syndrome. Also called: Hereditary neoplastic syndrome; Hereditary Cancer Syndrome; Neoplastic Syndromes, Hereditary; Tumor predisposition. Identifiers: Orphanet 140162, MedGen C0027672, MeSH D009386, MONDO:0015356.

Submission:

Ambry Genetics
Classification: Uncertain significance for Hereditary cancer-predisposing syndrome. Last evaluated: 2015-01-12. Review status: criteria provided, single submitter. Criteria: Ambry Autosomal Dominant and X-Linked criteria (10/2015). Collection method: clinical testing. Allele origin: germline. Observed: 1 variant allele.
Comment: Thep.K248Evariant (also known as c.742A>G), located in coding exon 8 of theNF1gene, results from an A to G substitution at nucleotide position 742. The lysine at codon 248 is replaced by glutamic acid, an amino acid with similar properties. This variant was not reported in population based cohorts in the following databases: Database of Single Nucleotide Polymorphisms (dbSNP), NHLBI Exome Sequencing Project (ESP), and 1000 Genomes Project. In the ESP, this variant was not observed in 6503 samples (13006 alleles) with coverage at this position. To date, this alteration has been detected with an allele frequency of approximately 0.003% (greater than 30000 alleles tested) in our clinical cohort. This amino acid position is highly conserved in available vertebrate species. In addition, the in silico prediction for this alteration is inconclusive. Since supporting evidence is limited at this time, the clinical significance of p.K248E remains unclear.